The following continues an entry in ClinVar:

NM_000492.4(CFTR):c.3415A>G (p.Ile1139Val)

ClinVar aggregate classification (germline): Conflicting classifications of pathogenicity. Pathogenic (2); Uncertain significance (11); Likely benign (1).

Submissions 9 to 17 of 17:

CeGaT Center for Human Genetics Tuebingen
Classification: Pathogenic. Last evaluated: 2023-01-01. Review status: criteria provided, single submitter. Criteria: CeGaT Center For Human Genetics Tuebingen Variant Classification Criteria Version 2. Collection method: clinical testing. Allele origin: germline. Affected: yes. Observed: 2 variant alleles.
Comment: CFTR: PM1:Strong, PS1, PS3, PP3, BP2

Institute of Human Genetics, University of Leipzig Medical Center
Classification: Uncertain significance for Cystic fibrosis. Last evaluated: 2022-09-05. Review status: criteria provided, single submitter. Criteria: ACMG Guidelines, 2015. Collection method: curation. Allele origin: unknown. Affected: yes. Observed: 4 variant alleles.
Comment: This variant was identified in 4 unrelated patients with a clinically confirmed diagnosis of cystic fibrosis. The variant was classified in the context of a project re-classifying variants in the German Cystic Fibrosis Registry (Muko.e.V.). Criteria applied: PS3_SUP, PM2_SUP, PM3, PP3

Revvity Omics, Revvity
Classification: Uncertain significance. Last evaluated: 2022-07-27. Review status: criteria provided, single submitter. Criteria: ACMG Guidelines, 2015. Collection method: clinical testing. Allele origin: germline.

CFTR-France
Classification: Pathogenic for CFTR-related disorders. Last evaluated: 2021-01-18. Review status: criteria provided, single submitter. Criteria: Claustres M et al. (Hum Mutat 2017). Collection method: curation. Allele origin: germline. Affected: yes.

Eurofins Ntd Llc (ga)
Classification: Uncertain significance. Last evaluated: 2018-07-13. Review status: criteria provided, single submitter. Criteria: EGL ClinVar v180209 classification definitions. Collection method: clinical testing. Allele origin: germline. Observed: 2 variant alleles, 2 heterozygotes.

ARUP Laboratories, Molecular Genetics and Genomics, ARUP Laboratories
Classification: Uncertain significance. Last evaluated: 2017-03-30. Review status: criteria provided, single submitter. Criteria: ARUP Molecular Germline Variant Investigation Process. Collection method: clinical testing. Allele origin: germline.

PreventionGenetics, part of Exact Sciences
Classification: Uncertain significance for CFTR-related condition. Last evaluated: 2024-03-01. Review status: no assertion criteria provided. Collection method: clinical testing. Allele origin: germline. Not counted in ClinVar's aggregate classification.
Comment: The CFTR c.3415A>G variant is predicted to result in the amino acid substitution p.Ile1139Val. This variant was reported presumably in the compound heterozygous state, along with a truncating variant in CFTR, in one patient with cystic fibrosis (inferred from parental studies as deceased proband not available for genetic testing) (Teng et al. 1994. PubMed ID: 7881429). This variant was also reported to be associated with oligospermic/azoospermia (Gallati et al. 2009. PubMed ID: 20021716; Oud et al. 2017. PubMed ID: 28801929) and pancreatitis (Keiles and Kammesheidt. 2006. PubMed ID: 17003641; Pagin et al. 2016. PubMed ID: 26900683; Palermo et al. 2016. PubMed ID: 27171515; Giefer et al. 2017. PubMed ID: 28502372). Functional studies in Xenopus laevis oocytes suggested normal permeability sequence of the mutant CFTR, although reduced chloride currents were observed compared to wild-type protein (Vankeerberghen et al. 1998. PubMed ID: 9804160). This variant is reported in 0.021% of alleles in individuals of European (Non-Finnish) descent in gnomAD. At this time, the clinical significance of this variant is uncertain due to the absence of conclusive functional and genetic evidence.

Clinical Genetics DNA and cytogenetics Diagnostics Lab, Erasmus MC, Erasmus Medical Center
Classification: Pathogenic. Review status: no assertion criteria provided. Collection method: clinical testing. Allele origin: germline. Affected: yes. Study: VKGL Data-share Consensus. Not counted in ClinVar's aggregate classification.

Diagnostic Laboratory, Department of Genetics, University Medical Center Groningen
Classification: Pathogenic. Review status: no assertion criteria provided. Collection method: clinical testing. Allele origin: germline. Affected: yes. Study: VKGL Data-share Consensus. Not counted in ClinVar's aggregate classification.

Literature cited by the submitters: PubMed 7881429 (cited by 4 submitters); PubMed 17003641 (cited by 4 submitters); PubMed 20021716 (cited by 4 submitters); PubMed 27171515 (cited by 3 submitters); PubMed 28801929 (cited by 3 submitters); PubMed 9804160 (cited by 5 submitters); PubMed 26900683 (cited by 3 submitters); PubMed 9345100 (cited by 3 submitters); PubMed 12940920 (cited by 3 submitters); PubMed 12783301 (cited by Women's Health and Genetics/Laboratory Corporation of America, LabCorp and Quest Diagnostics Nichols Institute San Juan Capistrano); PubMed 10755189 (cited by Women's Health and Genetics/Laboratory Corporation of America, LabCorp and Quest Diagnostics Nichols Institute San Juan Capistrano); PubMed 10875874 (cited by Women's Health and Genetics/Laboratory Corporation of America, LabCorp and Quest Diagnostics Nichols Institute San Juan Capistrano); PubMed 20932301 (cited by Women's Health and Genetics/Laboratory Corporation of America, LabCorp and Quest Diagnostics Nichols Institute San Juan Capistrano); PubMed 16442101 (cited by 3 submitters); PubMed 15784035 (cited by Women's Health and Genetics/Laboratory Corporation of America, LabCorp and Quest Diagnostics Nichols Institute San Juan Capistrano); PubMed 20416310 (cited by Women's Health and Genetics/Laboratory Corporation of America, LabCorp and Quest Diagnostics Nichols Institute San Juan Capistrano); PubMed 28502372 (cited by Women's Health and Genetics/Laboratory Corporation of America, LabCorp and Quest Diagnostics Nichols Institute San Juan Capistrano); PubMed 30146269 (cited by Women's Health and Genetics/Laboratory Corporation of America, LabCorp); PubMed 30091983 (cited by Women's Health and Genetics/Laboratory Corporation of America, LabCorp); PubMed 38388235 (cited by 3 submitters); PubMed 8567837 (cited by Quest Diagnostics Nichols Institute San Juan Capistrano); PubMed 18597042 (cited by Quest Diagnostics Nichols Institute San Juan Capistrano); PubMed 33922413 (cited by Quest Diagnostics Nichols Institute San Juan Capistrano); PubMed 35652053 (cited by Quest Diagnostics Nichols Institute San Juan Capistrano); PubMed 34996830 (cited by Quest Diagnostics Nichols Institute San Juan Capistrano); PubMed 36670555 (cited by Quest Diagnostics Nichols Institute San Juan Capistrano).